The following is an entry in ClinVar:

NM_130839.5(UBE3A):c.2124+9T>C

Genes: SNHG14 (small nucleolar RNA host gene 14; plus strand), UBE3A (ubiquitin protein ligase E3A; minus strand). Cytogenetic location: 15q11.2.
Variant type: single nucleotide variant.
Coding change: c.2124+9T>C on transcript NM_130839.5 (MANE Select); 9 bases into the intron after coding-DNA position 2124, T replaced by C.
Molecular consequence: intron variant.
Genome position (GRCh38, 1-based): chr15:25,355,883, A>G on the plus strand (T>C on the coding strand, the complement: UBE3A is on the minus strand). VCF-style: chr15-25355883-A-G. GRCh37 (hg19) VCF-style: chr15-25601030-A-G.
Other names: p.?; c.1947+9T>C (NM_001354546.2); c.813+9T>C (NM_001354551.2); c.1899+808T>C (NM_001354549.2); c.2064+9T>C (NM_001354548.2, NM_130838.4, NM_001354542.2 and 16 more transcripts); c.873+9T>C (NM_001354550.2); c.2124+9T>C (NM_001354545.2, NM_001354538.2, NM_001354505.1); c.2133+9T>C (NM_000462.5).
Identifiers: ClinVar variation 96260 (VCV000096260.56), dbSNP rs79328837, ClinGen allele CA149405.

ClinVar aggregate classification (germline): Benign. Review status: reviewed by expert panel (3 of 4 stars). 15 submissions from 15 submitters: Benign (1). 14 of the submissions do not count toward it. Last evaluated 2021-03-26.

Conditions:
UBE3A-related disorder. Also called: UBE3A-related condition.
Angelman syndrome (AS). Also called: HAPPY PUPPET SYNDROME. Identifiers: Orphanet 72, MedGen C0162635, MONDO:0007113, OMIM 105830. Disease mechanism: loss of function. Inheritance: AS is caused by disruption of maternally imprinted UBE3A located within the 15q11.2-q13 Angelman syndrome/Prader-Willi syndrome (AS/PWS) region., imprinting disorder.

Allele frequency attached by ClinVar (database versions not stated): 1000 Genomes Project 30x 0.00187; 1000 Genomes Project 0.00200; ESP Exome Variant Server 0.00323; ExAC 0.00412; TOPMed 0.00417; gnomAD exomes 0.00422 and 0.00442; gnomAD 0.00436 and 0.00454.
gnomAD v4.1: 6,855 of 1,610,224 alleles (0.43%); highest among the groups gnomAD compares: Middle Eastern, 0.92%; 23 homozygotes.

Submissions (15):

ClinGen Rett and Angelman-like Disorders Variant Curation Expert Panel
Classification: Benign for Angelman syndrome. Last evaluated: 2021-03-26. Review status: reviewed by expert panel. Criteria: ClinGen RettAS ACMG Specifications V1. Collection method: curation. Allele origin: germline. Inheritance: Autosomal dominant inheritance.
Comment: The allele frequency of the c.2064+9T>C variant in UBE3A is 0.4% in gnomAD, which is high enough to be classified as benign based on thresholds defined by the ClinGen Rett/Angelman-like Expert Panel for Rett/AS-like conditions. Splice prediction analysis, using multiple computational tools does not suggest an impact to splicing (BP4). In summary, the c.2064+9T>C variant in UBE3A is classified as benign based on the ACMG/AMP criteria (BA1, BP4).

CeGaT Center for Human Genetics Tuebingen
Classification: Benign. Last evaluated: 2026-09-01. Review status: criteria provided, single submitter. Criteria: CeGaT Center For Human Genetics Tuebingen Variant Classification Criteria Version 2. Collection method: clinical testing. Allele origin: germline. Affected: yes. Observed: 77 variant alleles. Not counted in ClinVar's aggregate classification.
Comment: UBE3A: BS1, BS2

Labcorp Genetics (formerly Invitae), Labcorp
Classification: Benign for Angelman syndrome. Last evaluated: 2026-02-03. Review status: criteria provided, single submitter. Criteria: Invitae Variant Classification Sherloc (09022015). Collection method: clinical testing. Allele origin: germline. Not counted in ClinVar's aggregate classification.

ARUP Laboratories, Molecular Genetics and Genomics, ARUP Laboratories
Classification: Benign for Angelman syndrome. Last evaluated: 2025-04-22. Review status: criteria provided, single submitter. Criteria: ARUP Molecular Germline Variant Investigation Process 2024. Collection method: clinical testing. Allele origin: germline. Not counted in ClinVar's aggregate classification.

Blueprint Genetics
Classification: Likely benign. Last evaluated: 2024-11-21. Review status: criteria provided, single submitter. Criteria: ACMG Guidelines, 2015. Collection method: clinical testing. Allele origin: germline. Not counted in ClinVar's aggregate classification.

Athena Diagnostics
Classification: Benign. Last evaluated: 2024-01-04. Review status: criteria provided, single submitter. Criteria: Athena Diagnostics Criteria. Collection method: clinical testing. Allele origin: unknown. Not counted in ClinVar's aggregate classification.

Mayo Clinic Laboratories, Mayo Clinic
Classification: Benign. Last evaluated: 2018-12-26. Review status: criteria provided, single submitter. Criteria: ACMG Guidelines, 2015. Collection method: clinical testing. Allele origin: germline. Observed: 7 variant alleles. Not counted in ClinVar's aggregate classification.

Genetic Services Laboratory, University of Chicago
Classification: Benign. Last evaluated: 2017-06-22. Review status: criteria provided, single submitter. Criteria: ACMG Guidelines, 2015. Collection method: clinical testing. Allele origin: germline. Affected: no. Not counted in ClinVar's aggregate classification.

GeneDx
Classification: Benign. Last evaluated: 2016-06-20. Review status: criteria provided, single submitter. Criteria: GeneDx Variant Classification (06012015). Collection method: clinical testing. Allele origin: germline. Affected: yes. Not counted in ClinVar's aggregate classification.
Comment: This variant is considered likely benign or benign based on one or more of the following criteria: it is a conservative change, it occurs at a poorly conserved position in the protein, it is predicted to be benign by multiple in silico algorithms, and/or has population frequency not consistent with disease.

Eurofins Ntd Llc (ga)
Classification: Benign. Last evaluated: 2015-07-28. Review status: criteria provided, single submitter. Criteria: EGL Classification Definitions 2015. Collection method: clinical testing. Allele origin: germline. Observed: 1 variant allele, 1 heterozygote. Not counted in ClinVar's aggregate classification.

Breakthrough Genomics
Classification: Benign. Review status: criteria provided, single submitter. Criteria: ACMG Guidelines, 2015. Collection method: not provided. Allele origin: germline. Inheritance: Autosomal dominant inheritance. Affected: yes. Not counted in ClinVar's aggregate classification.

PreventionGenetics, part of Exact Sciences
Classification: Benign for UBE3A-related condition. Last evaluated: 2019-05-09. Review status: no assertion criteria provided. Collection method: clinical testing. Allele origin: germline. Not counted in ClinVar's aggregate classification.
Comment: This variant is classified as benign based on ACMG/AMP sequence variant interpretation guidelines (Richards et al. 2015 PMID: 25741868, with internal and published modifications).

Baylor Genetics
Classification: Uncertain significance for Angelman syndrome. Last evaluated: 2014-02-14. Review status: no assertion criteria provided. Collection method: clinical testing. Allele origin: germline, paternal. Affected: yes. Observed: 12 variant alleles. Study: UBE3A Mutation Study. Not counted in ClinVar's aggregate classification.
Comment: possible diagnosis of Angelman syndrome

MAF 0.004

Data collected from clinical UBE3A sequence analysis results

Genome Diagnostics Laboratory, University Medical Center Utrecht
Classification: Benign. Review status: no assertion criteria provided. Collection method: clinical testing. Allele origin: germline. Affected: yes. Study: VKGL Data-share Consensus. Not counted in ClinVar's aggregate classification.

Joint Genome Diagnostic Labs from Nijmegen and Maastricht, Radboudumc and MUMC+
Classification: Benign. Review status: no assertion criteria provided. Collection method: clinical testing. Allele origin: germline. Affected: yes. Study: VKGL Data-share Consensus. Not counted in ClinVar's aggregate classification.

Literature cited by the submitters: PubMed 25212744 (cited by Athena Diagnostics and Baylor Genetics).